The following is an entry in ClinVar:

ClinVar aggregate classification (germline): Uncertain significance (1 of 4 stars; one submission).

Allele frequency attached by ClinVar (database versions not stated): gnomAD exomes below 0.00001.
gnomAD v4.1: 1 of 1,613,474 alleles (0.000062%); highest among the groups gnomAD compares: Non-Finnish European, 0.000085%; no homozygotes.

Submission:

Labcorp Genetics (formerly Invitae), Labcorp
Classification: Uncertain significance. Last evaluated: 2019-11-29. Review status: criteria provided, single submitter. Criteria: Invitae Variant Classification Sherloc (09022015). Collection method: clinical testing. Allele origin: germline.
Comment: This variant has not been reported in the literature in individuals with LCA5-related conditions. In summary, the available evidence is currently insufficient to determine the role of this variant in disease. Therefore, it has been classified as a Variant of Uncertain Significance. Algorithms developed to predict the effect of missense changes on protein structure and function output the following: SIFT: "Tolerated"; PolyPhen-2: "Benign"; Align-GVGD: "Class C0". The serine amino acid residue is found in multiple mammalian species, suggesting that this missense change does not adversely affect protein function. These predictions have not been confirmed by published functional studies and their clinical significance is uncertain. This variant is not present in population databases (ExAC no frequency). This sequence change replaces asparagine with serine at codon 251 of the LCA5 protein (p.Asn251Ser). The asparagine residue is highly conserved and there is a small physicochemical difference between asparagine and serine.

NM_001122769.3(LCA5):c.752A>G (p.Asn251Ser)

Gene: LCA5 (lebercilin LCA5; minus strand). Cytogenetic location: 6q14.1.
Variant type: single nucleotide variant.
Coding change: c.752A>G on transcript NM_001122769.3 (MANE Select); coding-DNA position 752, A replaced by G.
Protein change: p.Asn251Ser; replaces asparagine 251 with serine.
Molecular consequence: missense variant.
Genome position (GRCh38, 1-based): chr6:79,493,719, T>C on the plus strand (A>G on the coding strand, the complement: LCA5 is on the minus strand). VCF-style: chr6-79493719-T-C. GRCh37 (hg19) VCF-style: chr6-80203436-T-C.
Other names: c.752A>G, p.Asn251Ser (NM_181714.4); short protein forms N251S.
Identifiers: ClinVar variation 839994 (VCV000839994.9), dbSNP rs1769904231, ClinGen allele CA364645432.
Genomic context (GRCh38, chr6:79,493,719, plus strand): 5'-TTTTCATCATGAGCCTCATATGCCCTTTTCCTTTCAGCAAGCAACTGTCGTTGGAAACTG[T>C]TAGTACTCAGTTCAAGGTTTTTCGATAGCTCCTATATGTATAAATACATAAAAAGCAGTC-3'
Protein context (NP_001116241.1, residues 241-261): ELSKNLELST[Asn251Ser]SFQRQLLAER